The following is an entry in ClinVar:

ClinVar aggregate classification (germline): Uncertain significance (1 of 4 stars; one submission).

Conditions:
Familial focal epilepsy with variable foci (FPEVF). Identifiers: Orphanet 98820, MedGen C1858477, MONDO:0020310.

Submission:

Labcorp Genetics (formerly Invitae), Labcorp
Classification: Uncertain significance for Familial focal epilepsy with variable foci. Last evaluated: 2024-03-22. Review status: criteria provided, single submitter. Criteria: Invitae Variant Classification Sherloc (09022015). Collection method: clinical testing. Allele origin: germline.
Comment: This sequence change replaces phenylalanine, which is neutral and non-polar, with leucine, which is neutral and non-polar, at codon 1107 of the DEPDC5 protein (p.Phe1107Leu). This variant is not present in population databases (gnomAD no frequency). This variant has not been reported in the literature in individuals affected with DEPDC5-related conditions. Algorithms developed to predict the effect of missense changes on protein structure and function output the following: SIFT: "Not Available"; PolyPhen-2: "Not Available"; Align-GVGD: "Not Available". The leucine amino acid residue is found in multiple mammalian species, which suggests that this missense change does not adversely affect protein function. In summary, the available evidence is currently insufficient to determine the role of this variant in disease. Therefore, it has been classified as a Variant of Uncertain Significance.

NM_001242896.3(DEPDC5):c.3321C>A (p.Phe1107Leu)

Gene: DEPDC5 (DEP domain containing 5, GATOR1 subcomplex subunit; plus strand). Cytogenetic location: 22q12.3.
Variant type: single nucleotide variant.
Coding change: c.3321C>A on transcript NM_001242896.3 (MANE Select); coding-DNA position 3321, C replaced by A.
Protein change: p.Phe1107Leu; replaces phenylalanine 1107 with leucine.
Molecular consequence: missense variant. On other transcripts: non-coding transcript variant (2), intron variant (5).
Genome position (GRCh38, 1-based): chr22:31,861,424, C>A. VCF-style: chr22-31861424-C-A. GRCh37 (hg19) VCF-style: chr22-32257410-C-A.
Other names: c.3294C>A, p.Phe1098Leu (NM_001136029.4); c.3087C>A, p.Phe1029Leu (NM_001363854.2, NM_001364319.2); c.3321C>A, p.Phe1107Leu (NM_001364318.2); c.3237C>A, p.Phe1079Leu (NM_001369901.1, NM_001369902.1); c.3237+3871C>A (NM_014662.6, NM_001369903.1); c.3264+3871C>A (NM_001363852.2, NM_001364320.2); c.3030+3871C>A (NM_001242897.2); short protein forms F1029L, F1098L, F1107L, F1079L.
Identifiers: ClinVar variation 3647298 (VCV003647298.2).
Genomic context (GRCh38, chr22:31,861,424, plus strand): 5'-TCAGGACGGGGCCTTCTTTATGGAGTTTGTCCGCAGCCCACGCACAGCATCGTCCGCCTT[C>A]TACCCTCAGGTTAGTCCAACTCCAGGGCTTCGCATGCCTGTCCCACTGGCAGACGCCATG-3'
Protein context (NP_001229825.1, residues 1097-1117): VRSPRTASSA[Phe1107Leu]YPQVSVDQTA